The following is an entry in ClinVar:

ClinVar aggregate classification (germline): Likely benign (1 of 4 stars; one submission).

gnomAD v4.1: 67 of 1,614,086 alleles (0.0042%); highest among the groups gnomAD compares: African/African-American, 0.065%; no homozygotes.

Submission:

CeGaT Center for Human Genetics Tuebingen
Classification: Likely benign. Last evaluated: 2025-07-01. Review status: criteria provided, single submitter. Criteria: CeGaT Center For Human Genetics Tuebingen Variant Classification Criteria Version 2. Collection method: clinical testing. Allele origin: germline. Affected: yes. Observed: 1 variant allele.
Comment: DISP1: BP4, BP7

NM_001377229.1(DISP1):c.3057G>A (p.Thr1019=)

Gene: DISP1 (dispatched RND transporter family member 1; plus strand). Cytogenetic location: 1q41.
Variant type: single nucleotide variant.
Coding change: c.3057G>A on transcript NM_001377229.1 (MANE Select); coding-DNA position 3057, G replaced by A.
Protein change: p.Thr1019=; no amino-acid change (threonine 1019 retained).
Molecular consequence: synonymous variant.
Genome position (GRCh38, 1-based): chr1:223,004,454, G>A. VCF-style: chr1-223004454-G-A. GRCh37 (hg19) VCF-style: chr1-223177796-G-A.
Other names: c.2328G>A, p.Thr776= (NM_001350630.2); c.3057G>A, p.Thr1019= (NM_001369594.1, NM_001377228.1, NM_032890.5).
Identifiers: ClinVar variation 4084399 (VCV004084399.8).